The following is an entry in ClinVar:

NM_001080477.4(TENM3):c.749+96TTG[3]

Gene: TENM3 (teneurin transmembrane protein 3; plus strand). Cytogenetic location: 4q35.1.
Variant type: Microsatellite.
Coding change: c.749+96TTG[3] on transcript NM_001080477.4 (MANE Select); three copies in a row of the 3-base unit TTG starting at c.749+96.
Molecular consequence: intron variant.
Genome position: GRCh38 VCF-style: chr4-182601256-TTTG-T. GRCh37 (hg19) VCF-style: chr4-183522409-TTTG-T.
Identifiers: ClinVar variation 674011 (VCV000674011.1), dbSNP rs76025517, ClinGen allele CA112260453.

ClinVar aggregate classification (germline): Benign (1 of 4 stars; one submission).

Submission:

GeneDx
Classification: Benign. Last evaluated: 2018-06-19. Review status: criteria provided, single submitter. Criteria: GeneDx Variant Classification (06012015). Collection method: clinical testing. Allele origin: germline. Affected: yes.
Comment: This variant is considered likely benign or benign based on one or more of the following criteria: it is a conservative change, it occurs at a poorly conserved position in the protein, it is predicted to be benign by multiple in silico algorithms, and/or has population frequency not consistent with disease.